The following is an entry in ClinVar:

ClinVar aggregate classification (germline): Likely benign (1 of 4 stars; one submission).

Allele frequency attached by ClinVar (database versions not stated): TOPMed 0.00004; ExAC 0.00003.
gnomAD v4.1: 66 of 1,612,252 alleles (0.0041%); highest among the groups gnomAD compares: Non-Finnish European, 0.0051%; no homozygotes.

Submission:

CeGaT Center for Human Genetics Tuebingen
Classification: Likely benign. Last evaluated: 2022-10-01. Review status: criteria provided, single submitter. Criteria: CeGaT Center For Human Genetics Tuebingen Variant Classification Criteria Version 2. Collection method: clinical testing. Allele origin: germline. Affected: yes. Observed: 1 variant allele.
Comment: NAALADL2: BP4, BP7

NM_207015.3(NAALADL2):c.2283C>A (p.Thr761=)

Gene: NAALADL2 (N-acetylated alpha-linked acidic dipeptidase like 2; plus strand). Cytogenetic location: 3q26.31.
Variant type: single nucleotide variant.
Coding change: c.2283C>A on transcript NM_207015.3 (MANE Select); coding-DNA position 2283, C replaced by A.
Protein change: p.Thr761=; no amino-acid change (threonine 761 retained).
Molecular consequence: synonymous variant.
Genome position (GRCh38, 1-based): chr3:175,803,098, C>A. VCF-style: chr3-175803098-C-A. GRCh37 (hg19) VCF-style: chr3-175520886-C-A.
Identifiers: ClinVar variation 2654283 (VCV002654283.24), dbSNP rs752665150, ClinGen allele CA2709690.